The following is an entry in ClinVar:

ClinVar aggregate classification (germline): Uncertain significance (1 of 4 stars; one submission).

Conditions:
Hereditary nonpolyposis colorectal neoplasms. Identifiers: MedGen C0009405, MeSH D003123.

Submission:

Labcorp Genetics (formerly Invitae), Labcorp
Classification: Uncertain significance for Hereditary nonpolyposis colorectal neoplasms. Last evaluated: 2016-08-03. Review status: criteria provided, single submitter. Criteria: Invitae Variant Classification Sherloc (09022015). Collection method: clinical testing. Allele origin: germline.
Comment: In summary, this variant is a novel missense change that is not predicted to affect protein function. There is no indication that it causes disease, but the available evidence is currently insufficient to prove that conclusively. Therefore, it has been classified as a Variant of Uncertain Significance. Algorithms developed to predict the effect of missense changes on protein structure and function (SIFT, PolyPhen-2, Align-GVGD) all suggest that this variant is likely to be tolerated, but these predictions have not been confirmed by published functional studies. This variant is not present in population databases (ExAC no frequency) and has not been reported in the literature in individuals with a PMS2-related disease. This sequence change replaces serine with glycine at codon 373 of the PMS2 protein (p.Ser373Gly). The serine residue is weakly conserved and there is a small physicochemical difference between serine and glycine.

NM_000535.7(PMS2):c.1117A>G (p.Ser373Gly)

Gene: PMS2 (PMS1 homolog 2, mismatch repair system component; minus strand). Cytogenetic location: 7p22.1.
Variant type: single nucleotide variant.
Coding change: c.1117A>G on transcript NM_000535.7 (MANE Select); coding-DNA position 1117, A replaced by G.
Protein change: p.Ser373Gly; replaces serine 373 with glycine.
Molecular consequence: missense variant. On other transcripts: non-coding transcript variant (1), intron variant (2).
Genome position (GRCh38, 1-based): chr7:5,989,827, T>C on the plus strand (A>G on the coding strand, the complement: PMS2 is on the minus strand). VCF-style: chr7-5989827-T-C. GRCh37 (hg19) VCF-style: chr7-6029458-T-C.
Other names: c.712A>G, p.Ser238Gly (NM_001322003.2, NM_001322004.2, NM_001322005.2 and 1 more transcripts); c.799A>G, p.Ser267Gly (NM_001322007.2, NM_001322008.2); c.184A>G, p.Ser62Gly (NM_001322011.2, NM_001322012.2); c.544A>G, p.Ser182Gly (NM_001322013.2); c.1117A>G, p.Ser373Gly (NM_001322014.2); c.808A>G, p.Ser270Gly (NM_001322015.2); c.583+2146A>G (NM_001322010.2); c.988+2146A>G (NM_001322006.2); short protein forms S373G, S238G, S270G, S62G, S267G, S182G.
Identifiers: ClinVar variation 411041 (VCV000411041.48), dbSNP rs1060503125, ClinGen allele CA16612143.